The following is an entry in ClinVar:

NM_024598.4(USB1):c.233G>A (p.Arg78Gln)

Gene: USB1 (U6 snRNA biogenesis phosphodiesterase 1; plus strand). Cytogenetic location: 16q21.
Variant type: single nucleotide variant.
Coding change: c.233G>A on transcript NM_024598.4 (MANE Select); coding-DNA position 233, G replaced by A.
Protein change: p.Arg78Gln; replaces arginine 78 with glutamine.
Molecular consequence: missense variant.
Genome position (GRCh38, 1-based): chr16:58,002,613, G>A. VCF-style: chr16-58002613-G-A. GRCh37 (hg19) VCF-style: chr16-58036517-G-A.
Other names: c.233G>A, p.Arg78Gln (NM_001195302.2, NM_001204911.2, NM_001330569.2); c.80G>A, p.Arg27Gln (NM_001330568.2); short protein forms R27Q, R78Q.
Identifiers: ClinVar variation 3978142 (VCV003978142.1).

ClinVar aggregate classification (germline): Uncertain significance (1 of 4 stars; one submission).

Conditions:
Inborn genetic diseases. Identifiers: MedGen C0950123, MeSH D030342.

gnomAD v4.1: 14 of 1,613,828 alleles (0.00087%); highest among the groups gnomAD compares: African/African-American, 0.0027%; no homozygotes.

Submission:

Ambry Genetics
Classification: Uncertain significance for Inborn genetic diseases. Last evaluated: 2025-03-26. Review status: criteria provided, single submitter. Criteria: Ambry Variant Classification Scheme 2023. Collection method: clinical testing. Allele origin: germline.
Comment: The p.R78Q variant (also known as c.233G>A), located in coding exon 2 of the USB1 gene, results from a G to A substitution at nucleotide position 233. The arginine at codon 78 is replaced by glutamine, an amino acid with highly similar properties. This amino acid position is conserved. In addition, the in silico prediction for this alteration is inconclusive. Based on the available evidence, the clinical significance of this variant remains unclear.